The following is an entry in ClinVar:

ClinVar aggregate classification (germline): Pathogenic (1 of 4 stars; one submission).

Conditions:
Autosomal recessive limb-girdle muscular dystrophy type 2E (LGMDR4). Also called: MUSCULAR DYSTROPHY, LIMB-GIRDLE, AUTOSOMAL RECESSIVE 4. Identifiers: Orphanet 119, MedGen C1858593, MONDO:0011423, OMIM 604286. Disease mechanism: Affects gamma-sarcoglycan and also disrupts the integrity of the entire sarcoglycan complex..

Submission:

Labcorp Genetics (formerly Invitae), Labcorp
Classification: Pathogenic for Autosomal recessive limb-girdle muscular dystrophy type 2E. Last evaluated: 2025-04-21. Review status: criteria provided, single submitter. Criteria: Invitae Variant Classification Sherloc (09022015). Collection method: clinical testing. Allele origin: germline.
Comment: This sequence change creates a premature translational stop signal (p.Asp165Alafs*31) in the SGCB gene. It is expected to result in an absent or disrupted protein product. Loss-of-function variants in SGCB are known to be pathogenic (PMID: 15938573, 18285821). This variant is not present in population databases (gnomAD no frequency). This variant has not been reported in the literature in individuals affected with SGCB-related conditions. ClinVar contains an entry for this variant (Variation ID: 2129011). For these reasons, this variant has been classified as Pathogenic.

Literature cited by the submitters: PubMed 15938573; PubMed 18285821.

NM_000232.5(SGCB):c.494del (p.Asp165fs)

Gene: SGCB (sarcoglycan beta; minus strand). Cytogenetic location: 4q12.
Variant type: Deletion.
Coding change: c.494del on transcript NM_000232.5 (MANE Select); coding-DNA position 494, one base deleted (A; older notation c.494delA).
Protein change: p.Asp165fs; shifts the reading frame from aspartic acid 165.
Molecular consequence: frameshift variant.
Genome position (GRCh38, 1-based): chr4:52,028,857, T deleted on the plus strand (A on the coding strand, the reverse complement: SGCB is on the minus strand). VCF-style (leftmost placement, unchanged base first): chr4-52028856-GT-G. GRCh37 (hg19) VCF-style: chr4-52895022-GT-G.
Other names: short protein forms D165fs.
Identifiers: ClinVar variation 2129011 (VCV002129011.4), dbSNP rs2475221946, ClinGen allele CA2580071068.
Genomic context (GRCh38, chr4:52,028,856, plus strand): 5'-TTCATAGTCTGTGCTGAATAAGATATTTTGAGTCCTCGGGTCAAAAAACTGCATGCCGAT[GT>G]CACTTGTAATAGAAGTTTTGTTGTTTTCTACACTGAGCTTTGTTGTCCCTTGCTGAAAAA-3'